The following is an entry in ClinVar:

Conditions:
Arteriohepatic dysplasia. Also called: Alagille Syndrome. Identifiers: Orphanet 52, MedGen C0085280, MeSH D016738, MONDO:0007318.

Submission:

Gilbert/Spinner Lab, Children's Hospital of Philadelphia
No classification provided (evidence only). Condition: Alagille syndrome. Review status: no classification provided. Collection method: research. Allele origin: not applicable. Functional consequence: functionally_abnormal.
ClinVar note: "not provided" was previously submitted as the classification for the variant. However, the classification appeared to be based only on an observation of functional data so it was converted to no classification on 2025-07-30.

NM_000214.3(JAG1):c.901G>C (p.Gly301Arg)

Gene: JAG1 (jagged canonical Notch ligand 1; minus strand). Cytogenetic location: 20p12.2.
Variant type: single nucleotide variant.
Coding change: c.901G>C on transcript NM_000214.3 (MANE Select); coding-DNA position 901, G replaced by C.
Protein change: p.Gly301Arg; replaces glycine 301 with arginine.
Molecular consequence: missense variant.
Genome position (GRCh38, 1-based): chr20:10,652,236, C>G on the plus strand (G>C on the coding strand, the complement: JAG1 is on the minus strand). VCF-style: chr20-10652236-C-G. GRCh37 (hg19) VCF-style: chr20-10632884-C-G.
Other names: short protein forms G301R.
Identifiers: ClinVar variation 3573179 (VCV003573179.2).